The following is an entry in ClinVar:

NM_003816.3(ADAM9):c.967del (p.Ser323fs)

Gene: ADAM9 (ADAM metallopeptidase domain 9; plus strand). Cytogenetic location: 8p11.22.
Variant type: Deletion.
Coding change: c.967del on transcript NM_003816.3 (MANE Select); coding-DNA position 967, one base deleted (T; older notation c.967delT).
Protein change: p.Ser323fs; shifts the reading frame from serine 323.
Molecular consequence: frameshift variant. On other transcripts: non-coding transcript variant (3).
Genome position (GRCh38, 1-based): chr8:39,025,855, T deleted; the last of 2 consecutive T bases (chr8:39,025,854-39,025,855); deleting either gives the same sequence. VCF-style (leftmost placement, unchanged base first): chr8-39025853-GT-G. GRCh37 (hg19) VCF-style: chr8-38883372-GT-G.
Other names: short protein forms S323fs.
Identifiers: ClinVar variation 4890848 (VCV004890848.1).

ClinVar aggregate classification (germline): Pathogenic (1 of 4 stars; one submission).

Conditions:
Retinal disorder. Also called: Retinopathy; Retinal disorders; Retinopathies; Retinal Diseases. Identifiers: MedGen C0035309, MONDO:0005283, HP:0000488.

Submission:

Genetics Laboratory, Great Ormond Street Hospital NHS Foundation Trust, North Thames Genomic Laboratory Hub
Classification: Pathogenic for Retinal disorders. Last evaluated: 2026-07-15. Review status: criteria provided, single submitter. Criteria: ACGS Best Practice Guidelines for Variant Classification in Rare Disease 2024 v1.2. Collection method: clinical testing. Allele origin: germline. Affected: yes.
Comment: PM2_moderate, PVS1_very-strong, PM3_supporting